The following is an entry in ClinVar:

NM_001385641.1(SAMD11):c.784_785del (p.Lys262fs)

Gene: SAMD11 (sterile alpha motif domain containing 11; plus strand). Cytogenetic location: 1p36.33.
Variant type: Deletion.
Coding change: c.784_785del on transcript NM_001385641.1 (MANE Select); coding-DNA positions 784 to 785, 2 bases deleted (AA; older notation c.784_785delAA).
Protein change: p.Lys262fs; shifts the reading frame from lysine 262.
Molecular consequence: frameshift variant.
Genome position (GRCh38, 1-based): chr1:930,329-930,330, AA deleted. VCF-style (leftmost placement, unchanged base first): chr1-930328-GAA-G. GRCh37 (hg19) VCF-style: chr1-865708-GAA-G.
Other names: c.784_785del, p.Lys262fs (NM_001385640.1); c.247_248del, p.Lys83fs (NM_152486.4); short protein forms K83fs, K262fs.
Identifiers: ClinVar variation 2025454 (VCV002025454.4), dbSNP rs2522624763, ClinGen allele CA2580062486.

ClinVar aggregate classification (germline): Uncertain significance (1 of 4 stars; one submission).

Submission:

Labcorp Genetics (formerly Invitae), Labcorp
Classification: Uncertain significance. Last evaluated: 2022-08-21. Review status: criteria provided, single submitter. Criteria: Invitae Variant Classification Sherloc (09022015). Collection method: clinical testing. Allele origin: germline.
Comment: This variant is not present in population databases (gnomAD no frequency). In summary, the available evidence is currently insufficient to determine the role of this variant in disease. Therefore, it has been classified as a Variant of Uncertain Significance. This variant has not been reported in the literature in individuals affected with SAMD11-related conditions. This sequence change creates a premature translational stop signal (p.Lys83Glufs*47) in the SAMD11 gene. It is expected to result in an absent or disrupted protein product. However, the current clinical and genetic evidence is not sufficient to establish whether loss-of-function variants in SAMD11 cause disease.